The following is an entry in ClinVar:

NM_001148.6(ANK2):c.11385C>G (p.Ser3795Arg)

Gene: ANK2 (ankyrin 2; plus strand). Cytogenetic location: 4q26.
Variant type: single nucleotide variant.
Coding change: c.11385C>G on transcript NM_001148.6 (MANE Select); coding-DNA position 11385, C replaced by G.
Protein change: p.Ser3795Arg; replaces serine 3795 with arginine.
Molecular consequence: missense variant.
Genome position (GRCh38, 1-based): chr4:113,369,580, C>G. VCF-style: chr4-113369580-C-G. GRCh37 (hg19) VCF-style: chr4-114290736-C-G.
Other names: c.5103C>G, p.Ser1701Arg (NM_001127493.3); c.5142C>G, p.Ser1714Arg (NM_001354225.2); c.5031C>G, p.Ser1677Arg (NM_001354228.2, NM_001354258.2); c.5109C>G, p.Ser1703Arg (NM_001354230.2); c.5172C>G, p.Ser1724Arg (NM_001354231.2, NM_001354242.2); c.5166C>G, p.Ser1722Arg (NM_001354232.2); c.5127C>G, p.Ser1709Arg (NM_001354235.2, NM_001354246.2, NM_001354265.2); c.5028C>G, p.Ser1676Arg (NM_001354236.2); and 35 more; short protein forms S1656R, S1665R, S1667R, S1689R, S1705R, S1709R, S1714R, S1722R.
Identifiers: ClinVar variation 3010590 (VCV003010590.3), dbSNP rs2154066072, ClinGen allele CA357942604.
Genomic context (GRCh38, chr4:113,369,580, plus strand): 5'-AACTCCAGGAACAGAAACATCAGAGACTCAGAAGGCTATGATAGTACCCAGCTCTCCCAG[C>G]AAGACACCTGAGGAAGTTAGCACCCCTGCAGAGGAGGAGAAGCTGTACCTCCAGACCCCA-3'
Protein context (NP_001139.3, residues 3785-3805): QKAMIVPSSP[Ser3795Arg]KTPEEVSTPA

ClinVar aggregate classification (germline): Uncertain significance (1 of 4 stars; one submission).

Conditions:
Long QT syndrome (LQTS). Identifiers: MedGen C0023976, MeSH D008133, MONDO:0002442. Disease mechanism: loss of function. Inheritance: Various modes of inheritance.

Submission:

Labcorp Genetics (formerly Invitae), Labcorp
Classification: Uncertain significance for Long QT syndrome. Last evaluated: 2023-08-31. Review status: criteria provided, single submitter. Criteria: Invitae Variant Classification Sherloc (09022015). Collection method: clinical testing. Allele origin: germline.
Comment: In summary, the available evidence is currently insufficient to determine the role of this variant in disease. Therefore, it has been classified as a Variant of Uncertain Significance. An algorithm developed to predict the effect of missense changes on protein structure and function (PolyPhen-2) suggests that this variant is likely to be tolerated. This variant has not been reported in the literature in individuals affected with ANK2-related conditions. This variant is not present in population databases (gnomAD no frequency). This sequence change replaces serine, which is neutral and polar, with arginine, which is basic and polar, at codon 3795 of the ANK2 protein (p.Ser3795Arg).